The following is an entry in ClinVar:

NM_003114.5(SPAG1):c.1293_1316del (p.Ala432_Gly439del)

Genes: SPAG1 (sperm associated antigen 1; plus strand), LOC130000832 (ATAC-STARR-seq lymphoblastoid silent region 19412; plus strand). Cytogenetic location: 8q22.2.
Variant type: Deletion.
Coding change: c.1293_1316del on transcript NM_003114.5 (MANE Select); coding-DNA positions 1293 to 1316, 24 bases deleted (CGCCACCGGGCATCCGGGCGGCGG).
Protein change: p.Ala432_Gly439del.
Molecular consequence: inframe deletion.
Genome position (GRCh38, 1-based): chr8:100,213,286-100,213,309, CGCCACCGGGCATCCGGGCGGCGG deleted; deleting any 24 consecutive bases within chr8:100,213,276-100,213,309 gives the same sequence; the c. name uses the placement nearest the transcript's 3' end. VCF-style (leftmost placement, unchanged base first): chr8-100213275-GCGGGCGGCGGCGCCACCGGGCATC-G. GRCh37 (hg19) VCF-style: chr8-101225503-GCGGGCGGCGGCGCCACCGGGCATC-G.
Other names: c.1293_1316del, p.Ala432_Gly439del (NM_001374321.1, NM_172218.3); c.1293_1316delCGCCACCGGGCATCCGGGCGGCGG (NM_172218.2).
Identifiers: ClinVar variation 474650 (VCV000474650.4), dbSNP rs781380303, ClinGen allele CA4827473.

ClinVar aggregate classification (germline): Uncertain significance (1 of 4 stars; one submission).

Conditions:
Primary ciliary dyskinesia 28. Also called: CILIARY DYSKINESIA, PRIMARY, 28, WITH OR WITHOUT SITUS INVERSUS. Identifiers: Orphanet 244, MedGen C3809706, MONDO:0014216, OMIM 615505.

Submission:

Labcorp Genetics (formerly Invitae), Labcorp
Classification: Uncertain significance for Primary ciliary dyskinesia 28. Last evaluated: 2022-07-05. Review status: criteria provided, single submitter. Criteria: Invitae Variant Classification Sherloc (09022015). Collection method: clinical testing. Allele origin: germline.
Comment: This variant, c.1293_1316del, results in the deletion of 8 amino acid(s) of the SPAG1 protein (p.Ala432_Gly439del), but otherwise preserves the integrity of the reading frame. This variant is not present in population databases (gnomAD no frequency). This variant has not been reported in the literature in individuals affected with SPAG1-related conditions. ClinVar contains an entry for this variant (Variation ID: 474650). Experimental studies and prediction algorithms are not available or were not evaluated, and the functional significance of this variant is currently unknown. In summary, the available evidence is currently insufficient to determine the role of this variant in disease. Therefore, it has been classified as a Variant of Uncertain Significance.